The following is an entry in ClinVar:

NM_000021.4(PSEN1):c.269C>G (p.Thr90Ser)

Gene: PSEN1 (presenilin 1; plus strand). Cytogenetic location: 14q24.2.
Variant type: single nucleotide variant.
Coding change: c.269C>G on transcript NM_000021.4 (MANE Select); coding-DNA position 269, C replaced by G.
Protein change: p.Thr90Ser; replaces threonine 90 with serine.
Molecular consequence: missense variant.
Genome position (GRCh38, 1-based): chr14:73,170,978, C>G. VCF-style: chr14-73170978-C-G. GRCh37 (hg19) VCF-style: chr14-73637686-C-G.
Other names: c.257C>G, p.Thr86Ser (NM_007318.3); short protein forms T90S, T86S.
Identifiers: ClinVar variation 841495 (VCV000841495.10), dbSNP rs1007193620, ClinGen allele CA262614455.

ClinVar aggregate classification (germline): Uncertain significance (1 of 4 stars; one submission).

Conditions:
Alzheimer disease 3 (AD3). Also called: ALZHEIMER DISEASE, FAMILIAL, 3. Identifiers: Orphanet 1020, MedGen C1843013, MONDO:0011913, OMIM 607822.
Acne inversa, familial, 3 (ACNINV3). Identifiers: MedGen C3151038, MONDO:0013398, OMIM 613737.
Frontotemporal dementia (FTD1). Also called: WILHELMSEN-LYNCH DISEASE; Frontotemporal lobe dementia (FLDEM); Dementia, frontotemporal, with or without parkinsonism; Frontotemporal Dementia with Parkinsonism-17 (FTDP-17); FRONTOTEMPORAL DEMENTIA WITH PARKINSONISM; FRONTOTEMPORAL LOBE DEMENTIA. Identifiers: Orphanet 282, MedGen C0338451, MONDO:0017276, OMIM 600274, HP:0002145.
Pick disease. Also called: Pick's disease; Pick Disease of the Brain; DEMENTIA WITH LOBAR ATROPHY AND NEURONAL CYTOPLASMIC INCLUSIONS; LOBAR ATROPHY OF BRAIN; PICK DISEASE OF BRAIN. Identifiers: Orphanet 282, MedGen C0236642, MONDO:0008243, OMIM 172700.

Submission:

Labcorp Genetics (formerly Invitae), Labcorp
Classification: Uncertain significance for Alzheimer disease 3; Pick disease; Acne inversa, familial, 3; Frontotemporal dementia. Last evaluated: 2019-11-29. Review status: criteria provided, single submitter. Criteria: Invitae Variant Classification Sherloc (09022015). Collection method: clinical testing. Allele origin: germline.
Comment: This variant is not present in population databases (ExAC no frequency). Algorithms developed to predict the effect of missense changes on protein structure and function are either unavailable or do not agree on the potential impact of this missense change (SIFT: "Tolerated"; PolyPhen-2: "Probably Damaging"; Align-GVGD: "Class C0"). This variant has not been reported in the literature in individuals with PSEN1-related conditions. This sequence change replaces threonine with serine at codon 90 of the PSEN1 protein (p.Thr90Ser). The threonine residue is highly conserved and there is a small physicochemical difference between threonine and serine. In summary, the available evidence is currently insufficient to determine the role of this variant in disease. Therefore, it has been classified as a Variant of Uncertain Significance. Algorithms developed to predict the effect of sequence changes on RNA splicing suggest that this variant may create or strengthen a splice site, but this prediction has not been confirmed by published transcriptional studies.